The following is an entry in ClinVar:

NM_017654.4(SAMD9):c.3440A>G (p.Asp1147Gly)

Gene: SAMD9 (sterile alpha motif domain containing 9; minus strand). Cytogenetic location: 7q21.2.
Variant type: single nucleotide variant.
Coding change: c.3440A>G on transcript NM_017654.4 (MANE Select); coding-DNA position 3440, A replaced by G.
Protein change: p.Asp1147Gly; replaces aspartic acid 1147 with glycine.
Molecular consequence: missense variant.
Genome position (GRCh38, 1-based): chr7:93,102,658, T>C on the plus strand (A>G on the coding strand, the complement: SAMD9 is on the minus strand). VCF-style: chr7-93102658-T-C. GRCh37 (hg19) VCF-style: chr7-92731971-T-C.
Other names: c.3440A>G, p.Asp1147Gly (NM_001193307.2); short protein forms D1147G.
Identifiers: ClinVar variation 3792135 (VCV003792135.1).
Genomic context (GRCh38, chr7:93,102,658, plus strand): 5'-TGAGATTCTTTGAATGCACTTGAGGCATGTTCTGCTAAATCCAAAAGAGCAATTAGATCA[T>C]CAACTGAAATGTTCCCGTTTCCTCCGTTTTCCTCTATCCACCATCTTATTTTACTTTTGT-3'
Protein context (NP_060124.2, residues 1137-1157): ENGGNGNISV[Asp1147Gly]DLIALLDLAE

ClinVar aggregate classification (germline): Uncertain significance (1 of 4 stars; one submission).

Conditions:
Inborn genetic diseases. Identifiers: MedGen C0950123, MeSH D030342.

Submission:

Ambry Genetics
Classification: Uncertain significance for Inborn genetic diseases. Last evaluated: 2025-02-28. Review status: criteria provided, single submitter. Criteria: Ambry Variant Classification Scheme 2023. Collection method: clinical testing. Allele origin: germline.
Comment: The p.D1147G variant (also known as c.3440A>G), located in coding exon 1 of the SAMD9 gene, results from an A to G substitution at nucleotide position 3440. The aspartic acid at codon 1147 is replaced by glycine, an amino acid with similar properties. This amino acid position is conserved. In addition, this alteration is predicted to be tolerated by in silico analysis. Based on the available evidence, the clinical significance of this variant remains unclear.